The following is an entry in ClinVar:

NM_001364905.1(LRBA):c.1253C>T (p.Ala418Val)

Gene: LRBA (LPS responsive beige-like anchor protein; minus strand). Cytogenetic location: 4q31.3.
Variant type: single nucleotide variant.
Coding change: c.1253C>T on transcript NM_001364905.1 (MANE Select); coding-DNA position 1253, C replaced by T.
Protein change: p.Ala418Val; replaces alanine 418 with valine.
Molecular consequence: missense variant.
Genome position (GRCh38, 1-based): chr4:150,908,766, G>A on the plus strand (C>T on the coding strand, the complement: LRBA is on the minus strand). VCF-style: chr4-150908766-G-A. GRCh37 (hg19) VCF-style: chr4-151829918-G-A.
Other names: c.1253C>T, p.Ala418Val (NM_001199282.3, NM_001367550.1, NM_006726.5); short protein forms A418V.
Identifiers: ClinVar variation 1015141 (VCV001015141.8), dbSNP rs1731624368, ClinGen allele CA358433707.
Genomic context (GRCh38, chr4:150,908,766, plus strand): 5'-TCCTTAGGAGATGATTCAAGACAAAGCTGGGCATCTGTAGCCCGTGGATTGTACGTGAAT[G>A]CAATGGCACTAGAGAGTTTCCCATCGTACAATAAAAGTTTGTGATGCTCAGCAAGGAAAA-3'
Protein context (NP_001351834.1, residues 408-428): LYDGKLSSAI[Ala418Val]FTYNPRATDA

ClinVar aggregate classification (germline): Uncertain significance (1 of 4 stars; one submission).

Conditions:
Combined immunodeficiency due to LRBA deficiency. Also called: Common variable immunodeficiency 8, with autoimmunity. Identifiers: Orphanet 445018, MedGen C3553512, MONDO:0013863, OMIM 614700.

Allele frequency attached by ClinVar (database versions not stated): gnomAD exomes below 0.00001; TOPMed below 0.00001.
gnomAD v4.1: 7 of 1,613,400 alleles (0.00043%); highest among the groups gnomAD compares: Non-Finnish European, 0.00051%; no homozygotes.

Submission:

Labcorp Genetics (formerly Invitae), Labcorp
Classification: Uncertain significance for Combined immunodeficiency due to LRBA deficiency. Last evaluated: 2020-03-18. Review status: criteria provided, single submitter. Criteria: Invitae Variant Classification Sherloc (09022015). Collection method: clinical testing. Allele origin: germline.
Comment: This sequence change replaces alanine with valine at codon 418 of the LRBA protein (p.Ala418Val). The alanine residue is weakly conserved and there is a small physicochemical difference between alanine and valine. This variant is not present in population databases (ExAC no frequency). This variant has not been reported in the literature in individuals with LRBA-related conditions. Algorithms developed to predict the effect of missense changes on protein structure and function are either unavailable or do not agree on the potential impact of this missense change (SIFT: "Tolerated"; PolyPhen-2: "Probably Damaging"; Align-GVGD: "Class C0"). In summary, the available evidence is currently insufficient to determine the role of this variant in disease. Therefore, it has been classified as a Variant of Uncertain Significance.